The following is an entry in ClinVar:

NM_001605.3(AARS1):c.1847G>T (p.Arg616Leu)

Gene: AARS1 (alanyl-tRNA synthetase 1; minus strand). Cytogenetic location: 16q22.1.
Variant type: single nucleotide variant.
Coding change: c.1847G>T on transcript NM_001605.3 (MANE Select); coding-DNA position 1847, G replaced by T.
Protein change: p.Arg616Leu; replaces arginine 616 with leucine.
Molecular consequence: missense variant.
Genome position (GRCh38, 1-based): chr16:70,259,125, C>A on the plus strand (G>T on the coding strand, the complement: AARS1 is on the minus strand). VCF-style: chr16-70259125-C-A. GRCh37 (hg19) VCF-style: chr16-70293028-C-A.
Other names: short protein forms R616L.
Identifiers: ClinVar variation 2737328 (VCV002737328.3), dbSNP rs781270199, ClinGen allele CA396558226.
Genomic context (GRCh38, chr16:70,259,125, plus strand): 5'-AATCTGAGGCGGTCAGGAGCAACCAATGAGCCTTTCTGGTCAGCTTCCCCAAGCACTGAG[C>A]GCAGGGCGAAGTTCAGAATGTGCGTAGCTGTGTGGTTGCTCATGATGGGTCTTCGTCGGG-3'
Protein context (NP_001596.2, residues 606-626): TATHILNFAL[Arg616Leu]SVLGEADQKG

ClinVar aggregate classification (germline): Uncertain significance (1 of 4 stars; one submission).

Conditions:
Charcot-Marie-Tooth disease type 2. Also called: Charcot-Marie-Tooth type 2. Identifiers: Orphanet 64746, MedGen C0270914, MONDO:0018993.

gnomAD v4.1: 1 of 1,614,130 alleles (0.000062%); highest among the groups gnomAD compares: African/African-American, 0.0013%; no homozygotes.

Submission:

Labcorp Genetics (formerly Invitae), Labcorp
Classification: Uncertain significance for Charcot-Marie-Tooth disease type 2. Last evaluated: 2023-07-07. Review status: criteria provided, single submitter. Criteria: Invitae Variant Classification Sherloc (09022015). Collection method: clinical testing. Allele origin: germline.
Comment: This variant has not been reported in the literature in individuals affected with AARS-related conditions. Advanced modeling of protein sequence and biophysical properties (such as structural, functional, and spatial information, amino acid conservation, physicochemical variation, residue mobility, and thermodynamic stability) performed at Invitae indicates that this missense variant is not expected to disrupt AARS protein function. In summary, the available evidence is currently insufficient to determine the role of this variant in disease. Therefore, it has been classified as a Variant of Uncertain Significance. This sequence change replaces arginine, which is basic and polar, with leucine, which is neutral and non-polar, at codon 616 of the AARS protein (p.Arg616Leu). This variant is not present in population databases (gnomAD no frequency).